The following is an entry in ClinVar:

NM_001384140.1(PCDH15):c.2214A>C (p.Gln738His)

Gene: PCDH15 (protocadherin related 15; minus strand). Cytogenetic location: 10q21.1.
Variant type: single nucleotide variant.
Coding change: c.2214A>C on transcript NM_001384140.1 (MANE Select); coding-DNA position 2214, A replaced by C.
Protein change: p.Gln738His; replaces glutamine 738 with histidine.
Molecular consequence: missense variant.
Genome position (GRCh38, 1-based): chr10:54,066,763, T>G on the plus strand (A>C on the coding strand, the complement: PCDH15 is on the minus strand). VCF-style: chr10-54066763-T-G. GRCh37 (hg19) VCF-style: chr10-55826523-T-G.
Other names: DFNB23; c.2229A>C, p.Gln743His (NM_001142763.2, NM_001142771.2); c.2214A>C, p.Gln738His (NM_001142764.2, NM_001142766.2, NM_001142770.3 and 5 more transcripts); c.2001A>C, p.Gln667His (NM_001142765.2); c.2103A>C, p.Gln701His (NM_001142767.2); c.2148A>C, p.Gln716His (NM_001142768.2, NM_001142773.2, NM_001354404.2); c.2250A>C, p.Gln750His (NM_001142769.4); c.2235A>C, p.Gln745His (NM_001354411.2); short protein forms Q750H, Q716H, Q743H, Q738H, Q667H, Q701H, Q745H.
Identifiers: ClinVar variation 859596 (VCV000859596.9), dbSNP rs746610406, ClinGen allele CA5506099.

ClinVar aggregate classification (germline): Conflicting classifications of pathogenicity. Review status: criteria provided, conflicting classifications (1 of 4 stars). 6 submissions from 6 submitters: Uncertain significance (2); Likely benign (2). 2 of the submissions do not count toward it. Last evaluated 2025-10-27.

Conditions:
Autosomal recessive nonsyndromic hearing loss 23. Identifiers: Orphanet 90636, MedGen C1836027, MONDO:0012293, OMIM 609533.
Usher syndrome type 1D (USH1D). Also called: USHER SYNDROME, TYPE ID. Identifiers: Orphanet 231169, Orphanet 886, MedGen C1832845, MONDO:0010984, OMIM 601067.
Usher syndrome type 1F (USH1F). Also called: USHER SYNDROME, TYPE IF. Identifiers: Orphanet 231169, Orphanet 886, MedGen C1865885, MONDO:0011186, OMIM 602083.

Allele frequency attached by ClinVar (database versions not stated): TOPMed 0.00002; ExAC 0.00003; gnomAD 0.00003 and 0.00004; gnomAD exomes 0.00005.
gnomAD v4.1: 67 of 1,613,164 alleles (0.0042%); highest among the groups gnomAD compares: Non-Finnish European, 0.0034%; no homozygotes.

Submissions (6):

Labcorp Genetics (formerly Invitae), Labcorp
Classification: Likely benign. Last evaluated: 2025-10-27. Review status: criteria provided, single submitter. Criteria: Invitae Variant Classification Sherloc (09022015). Collection method: clinical testing. Allele origin: germline.

Laboratory of Prof. Karen Avraham, Tel Aviv University
Classification: Uncertain significance for Autosomal recessive nonsyndromic hearing loss 23. Last evaluated: 2024-12-26. Review status: criteria provided, single submitter. Criteria: ACMG Guidelines, 2015. Collection method: research. Allele origin: germline. Affected: yes. Observed: 1 variant allele.
Comment: The PCDH15 c.2214A>C:p.(Gln738His) heterozygous, predicted deleterious, variant is a founder in the Ashkenazi Jewish population.

Blueprint Genetics
Classification: Likely benign. Last evaluated: 2024-07-18. Review status: criteria provided, single submitter. Criteria: ACMG Guidelines, 2015. Collection method: clinical testing. Allele origin: germline.

Fulgent Genetics
Classification: Uncertain significance for Usher syndrome type 1D; Usher syndrome type 1F; Autosomal recessive nonsyndromic hearing loss 23. Last evaluated: 2021-11-05. Review status: criteria provided, single submitter. Criteria: ACMG Guidelines, 2015. Collection method: clinical testing. Allele origin: unknown.

Natera, Inc.
Classification: Uncertain significance for Usher syndrome type 1F. Last evaluated: 2020-08-22. Review status: no assertion criteria provided. Collection method: clinical testing. Allele origin: germline. Not counted in ClinVar's aggregate classification.

Department of Pathology and Laboratory Medicine, Sinai Health System
Classification: Uncertain significance. Review status: no assertion criteria provided. Collection method: clinical testing. Allele origin: unknown. Affected: yes. Study: The Canadian Open Genetics Repository (COGR). Not counted in ClinVar's aggregate classification.
Comment: The PCDH15 p.Gln738His variant was not identified in the literature nor was it identified in ClinVar. The variant was identified in dbSNP (ID: rs746610406) and in control databases in 15 of 282290 chromosomes at a frequency of 0.00005314 (Genome Aggregation Database March 6, 2019, v2.1.1). The variant was observed in the following populations: Ashkenazi Jewish in 10 of 10350 chromosomes (freq: 0.000966), Other in 1 of 7210 chromosomes (freq: 0.000139) and European (non-Finnish) in 4 of 128770 chromosomes (freq: 0.000031), but was not observed in the African, Latino, East Asian, European (Finnish), or South Asian populations. The p.Gln738 residue is conserved in mammals and computational analyses (PolyPhen-2, SIFT, AlignGVGD, BLOSUM, MutationTaster) provide inconsistent predictions regarding the impact to the protein; this information is not very predictive of pathogenicity. The variant occurs outside of the splicing consensus sequence and 2 of 4 in silico or computational prediction software programs (SpliceSiteFinder, MaxEntScan, NNSPLICE, GeneSplicer) predict a greater than 10% difference in splicing; this is not very predictive of pathogenicity. In summary, based on the above information the clinical significance of this variant cannot be determined with certainty at this time. This variant is classified as a variant of uncertain significance.